The following is an entry in ClinVar:

NM_017739.4(POMGNT1):c.1876del (p.Val626fs)

Genes: POMGNT1 (protein O-linked mannose N-acetylglucosaminyltransferase 1 (beta 1,2-); minus strand), TSPAN1 (tetraspanin 1; plus strand). Cytogenetic location: 1p34.1.
Variant type: Deletion.
Coding change: c.1876del on transcript NM_017739.4 (MANE Select); coding-DNA position 1876, one base deleted (G; older notation c.1876delG).
Protein change: p.Val626fs; shifts the reading frame from valine 626.
Molecular consequence: frameshift variant. On other transcripts: intron variant (1).
Genome position (GRCh38, 1-based): chr1:46,189,477, C deleted on the plus strand (G on the coding strand, the reverse complement: POMGNT1 is on the minus strand); the first of 5 consecutive C bases (chr1:46,189,477-46,189,481); deleting any one gives the same sequence. VCF-style (leftmost placement, unchanged base first): chr1-46189476-AC-A. GRCh37 (hg19) VCF-style: chr1-46655148-AC-A.
Other names: NM_017739.4(POMGNT1):c.1876del; p.Val626fs; c.1806delG, p.Val604Serfs (NM_001290129.3); c.1447del, p.Val483fs (NM_001290130.2); c.1876del, p.Val626fs (NM_001410783.1); c.1869+7del (NM_001243766.2); c.1876delG (NM_017739.4, NM_017739.3); short protein forms V483fs, V626fs, V604fs.
Identifiers: ClinVar variation 56591 (VCV000056591.16), dbSNP rs386834022, ClinGen allele CA263962.

ClinVar aggregate classification (germline): Pathogenic/Likely pathogenic. Review status: criteria provided, multiple submitters, no conflicts (2 of 4 stars). 10 submissions from 10 submitters: Pathogenic (3); Likely pathogenic (4). 3 of the submissions do not count toward it. Last evaluated 2026-06-09.

Conditions:
Autosomal recessive limb-girdle muscular dystrophy type 2O. Also called: MUSCULAR DYSTROPHY-DYSTROGLYCANOPATHY (LIMB-GIRDLE), TYPE C, 3; MUSCULAR DYSTROPHY-DYSTROGLYCANOPATHY, LIMB-GIRDLE, POMGNT1-RELATED; Limb-Girdle Muscular Dystrophy Type 3C. Identifiers: Orphanet 206564, MedGen C3150417, MONDO:0013161, OMIM 613157.
Muscular dystrophy-dystroglycanopathy (congenital with impaired intellectual development), type B, 3. Also called: Muscular dystrophy-dystroglycanopathy (congenital with intellectual disability), type B3; MUSCULAR DYSTROPHY, CONGENITAL, POMGNT1-RELATED. Identifiers: MedGen C3150412, MONDO:0013155, OMIM 613151.
Retinitis pigmentosa 76 (RP76). Identifiers: MedGen C4310704, MONDO:0014929, OMIM 617123.
Muscular dystrophy-dystroglycanopathy (congenital with brain and eye anomalies), type A3. Also called: Muscular dystrophy-dystroglycanopathy (congenital with brain and eye anomalies), type A, 3; Congenital muscular dystrophy-dystroglycanopathy with brain and eye anomalies, type A3; WALKER-WARBURG SYNDROME OR MUSCLE-EYE-BRAIN DISEASE, POMGNT1-RELATED. Identifiers: MedGen C3151519, MONDO:0009667, OMIM 253280.
Muscular dystrophy-dystroglycanopathy. Also called: Congenital muscular dystrophy due to dystroglycanopathy. Identifiers: Orphanet 370953, MedGen C5679911, MONDO:0018276.
Myopathy caused by variation in POMGNT1. Identifiers: MedGen CN305639, MONDO:0700068.
Muscle eye brain disease (MEB). Also called: Santavuori congenital muscular dystrophy. Identifiers: Orphanet 588, Orphanet 899, MedGen C0457133, MONDO:0018939.

Submissions (10):

Myriad Genetics, Inc.
Classification: Pathogenic for Myopathy caused by variation in POMGNT1. Last evaluated: 2026-06-09. Review status: criteria provided, single submitter. Criteria: Myriad Autosomal Dominant, Autosomal Recessive and X-Linked Classification Criteria (2023). Collection method: clinical testing. Allele origin: unknown.
Comment: NM_017739.3(POMGNT1):c.1876delG(V626Sfs*8) is a frameshift variant classified as pathogenic in the context of POMGNT1-related disorders. V626Sfs*8 has been observed in a case with relevant disease (PMID: 11709191). Relevant functional assessments of this variant are available in the literature (PMID: 12788071). V626Sfs*8 has been observed in referenced population frequency databases. In summary, NM_017739.3(POMGNT1):c.1876delG(V626Sfs*8) is a frameshift variant that has functional support for pathogenicity and has been observed more frequently in cases with the relevant disease than in healthy populations. Please note: this variant was assessed in the context of healthy population screening.

Women's Health and Genetics/Laboratory Corporation of America, LabCorp
Classification: Likely pathogenic for Muscular dystrophy-dystroglycanopathy (congenital with brain and eye anomalies), type A3. Last evaluated: 2025-11-06. Review status: criteria provided, single submitter. Criteria: LabCorp Variant Classification Summary - May 2015. Collection method: clinical testing. Allele origin: germline.
Comment: Variant summary: POMGNT1 c.1876delG (p.Val626SerfsX8) results in a premature termination codon, predicted to cause a truncation of the encoded protein, although nonsense mediated decay is not predicted. The frequency data for this variant in gnomAD is considered unreliable, as metrics indicate poor data quality at this position. c.1876delG has been observed in individual(s) affected with Muscle-eye-brain disease (Yoshida_2001). At least one publication reports experimental evidence evaluating an impact on protein function (Manya_2003). The most pronounced variant effect results in abolishing enzyme activity. The following publications have been ascertained in the context of this evaluation (PMID: 12788071, 11709191). ClinVar contains an entry for this variant (Variation ID: 56591). Based on the evidence outlined above, the variant was classified as likely pathogenic.

Broad Center for Mendelian Genomics, Broad Institute of MIT and Harvard
Classification: Likely pathogenic for Muscular dystrophy-dystroglycanopathy. Last evaluated: 2025-04-29. Review status: criteria provided, single submitter. Criteria: ACMG Guidelines, 2015. Collection method: curation. Allele origin: germline. Inheritance: Autosomal recessive inheritance.
Comment: The p.Val626SerfsTer8 variant in POMGNT1 has been reported in one individual with muscular dystrophy-dystroglycanopathy (PMID: 11709191), and has been identified in 0.001% (17/1179772) of European (non-Finnish) chromosomes by the Genome Aggregation Database (gnomAD; dbSNP ID: rs386834022). Although this variant has been seen in the general population in a heterozygous state, its frequency is low enough to be consistent with a recessive carrier frequency. It is of note that this variant occurs in a homopolymer repeat, which could indicate that it exists as an artifact from sequencing. However, disease-causing variants have been reported in homopolymer regions, so this is not enough to rule out a pathogenic role. This variant has also been reported in ClinVar (VCV000056591.9) and has been interpreted as likely pathogenic/pathogenic by multiple submitters. In vitro functional studies provide some evidence that the p.Val626SerfsTer8 variant may impact protein function (PMID: 12788071). However, these types of assays may not accurately represent biological function. This variant is predicted to cause a frameshift, which alters the protein’s amino acid sequence beginning at position 626 and leads to a premature termination codon 8 amino acids downstream. This termination codon occurs within the last exon and is more likely to escape nonsense mediated decay (NMD) and result in a truncated protein. There are a number of pathogenic variants downstream of this variant in ClinVar, suggesting that this variant is in a functional domain and supports pathogenicity. Loss of function of the POMGNT1 gene is an established disease mechanism in autosomal recessive muscular dystrophy-dystroglycanopathy. In summary, although additional studies are required to fully establish its clinical significance, this variant is likely pathogenic for POMGNT1-associated muscular dystrophy-dystroglycanopathy. ACMG/AMP Criteria applied: PVS1_strong, PS3_supporting, PM2_supporting (Richards 2015).

Natera, Inc.
Classification: Likely pathogenic for Muscle-eye-brain disease. Last evaluated: 2025-03-29. Review status: criteria provided, single submitter. Criteria: Natera Variant Classification Schema (03/2026). Collection method: clinical testing. Allele origin: germline.
Comment: The c.1876delG variant in POMGNT1 is a frameshift variant predicted to shift the reading frame beginning at codon 626 and leads to a stop codon 8 codons downstream. This variant is expected to result in nonsense mediated decay, truncation, or a dysfunctional protein product. This variant is rare in the general population with a frequency below the threshold expected for the associated phenotype(s). Given the available evidence, this variant is classified as Likely Pathogenic.

Baylor Genetics
Classification: Pathogenic for Muscular dystrophy-dystroglycanopathy (congenital with brain and eye anomalies), type A3. Last evaluated: 2024-02-10. Review status: criteria provided, single submitter. Criteria: ACMG Guidelines, 2015. Collection method: clinical testing. Allele origin: unknown.

Labcorp Genetics (formerly Invitae), Labcorp
Classification: Likely pathogenic for Autosomal recessive limb-girdle muscular dystrophy type 2O; Muscular dystrophy-dystroglycanopathy (congenital with impaired intellectual development), type B, 3. Last evaluated: 2023-12-24. Review status: criteria provided, single submitter. Criteria: Invitae Variant Classification Sherloc (09022015). Collection method: clinical testing. Allele origin: germline.
Comment: This sequence change creates a premature translational stop signal (p.Val626Serfs*8) in the POMGNT1 gene. While this is not anticipated to result in nonsense mediated decay, it is expected to disrupt the last 35 amino acid(s) of the POMGNT1 protein. The frequency data for this variant in the population databases is considered unreliable, as metrics indicate poor data quality at this position in the gnomAD database. This premature translational stop signal has been observed in individual(s) with muscle-eye-brain disease (PMID: 12849864). This variant is also known as 1970delG (frameshift at Val626 and a premature termination codon at codon 633). ClinVar contains an entry for this variant (Variation ID: 56591). Algorithms developed to predict the effect of variants on protein structure and function are not available or were not evaluated for this variant. Experimental studies have shown that this premature translational stop signal affects POMGNT1 function (PMID: 12788071). In summary, the currently available evidence indicates that the variant is pathogenic, but additional data are needed to prove that conclusively. Therefore, this variant has been classified as Likely Pathogenic.

Fulgent Genetics
Classification: Pathogenic for Muscular dystrophy-dystroglycanopathy (congenital with brain and eye anomalies), type A3; Muscular dystrophy-dystroglycanopathy (congenital with impaired intellectual development), type B, 3; Autosomal recessive limb-girdle muscular dystrophy type 2O; Retinitis pigmentosa 76. Last evaluated: 2022-05-31. Review status: criteria provided, single submitter. Criteria: ACMG Guidelines, 2015. Collection method: clinical testing. Allele origin: unknown.

Counsyl
Classification: Likely pathogenic for Muscle eye brain disease. Last evaluated: 2014-10-20. Review status: no assertion criteria provided. Collection method: literature only. Allele origin: unknown. Inheritance: Autosomal recessive inheritance. Not counted in ClinVar's aggregate classification.

OMIM
Classification: Pathogenic for MUSCULAR DYSTROPHY-DYSTROGLYCANOPATHY (CONGENITAL WITH BRAIN AND EYE ANOMALIES), TYPE A, 3. Last evaluated: 2001-11-01. Review status: no assertion criteria provided. Collection method: literature only. Allele origin: germline. Not counted in ClinVar's aggregate classification.

Juha Muilu Group; Institute for Molecular Medicine Finland (FIMM)
Classification: Likely pathogenic for Muscle eye brain disease. Review status: no assertion criteria provided. Collection method: not provided. Allele origin: unknown. Not counted in ClinVar's aggregate classification.
Comment: FinDis database variant: This variant was not found or characterized by our laboratory, data were collected from public sources: see reference
ClinVar note: Converted during submission from probable-pathogenic to Likely pathogenic.

Literature cited by the submitters: PubMed 11709191 (cited by 5 submitters); PubMed 12788071 (cited by 5 submitters); PubMed 12849864 (cited by Labcorp Genetics (formerly Invitae), Labcorp and Counsyl).